The following is an entry in ClinVar:

ClinVar aggregate classification (germline): Uncertain significance (1 of 4 stars; one submission).

Conditions:
Early-infantile DEE. Also called: Early infantile epileptic encephalopathy; Early infantile epileptic encephalopathy with suppression bursts; Ohtahara syndrome. Identifiers: Orphanet 1934, MedGen C0393706, MONDO:0800491.

Allele frequency attached by ClinVar (database versions not stated): ExAC 0.00001; gnomAD 0.00001; gnomAD exomes 0.00002 and 0.00004; TOPMed 0.00003.
gnomAD v4.1: 26 of 1,613,870 alleles (0.0016%); highest among the groups gnomAD compares: Admixed American, 0.005%; no homozygotes.

Submission:

Labcorp Genetics (formerly Invitae), Labcorp
Classification: Uncertain significance for Early-infantile DEE. Last evaluated: 2025-04-14. Review status: criteria provided, single submitter. Criteria: Invitae Variant Classification Sherloc (09022015). Collection method: clinical testing. Allele origin: germline.
Comment: This sequence change replaces arginine, which is basic and polar, with histidine, which is basic and polar, at codon 2459 of the SPTAN1 protein (p.Arg2459His). This variant is present in population databases (rs751323903, gnomAD 0.01%). This variant has not been reported in the literature in individuals affected with SPTAN1-related conditions. ClinVar contains an entry for this variant (Variation ID: 857215). Invitae Evidence Modeling of protein sequence and biophysical properties (such as structural, functional, and spatial information, amino acid conservation, physicochemical variation, residue mobility, and thermodynamic stability) has been performed for this missense variant. However, the output from this modeling did not meet the statistical confidence thresholds required to predict the impact of this variant on SPTAN1 protein function. In summary, the available evidence is currently insufficient to determine the role of this variant in disease. Therefore, it has been classified as a Variant of Uncertain Significance.

NM_001130438.3(SPTAN1):c.7376G>A (p.Arg2459His)

Gene: SPTAN1 (spectrin alpha, non-erythrocytic 1; plus strand). Cytogenetic location: 9q34.11.
Variant type: single nucleotide variant.
Coding change: c.7376G>A on transcript NM_001130438.3 (MANE Select); coding-DNA position 7376, G replaced by A.
Protein change: p.Arg2459His; replaces arginine 2459 with histidine.
Molecular consequence: missense variant.
Genome position (GRCh38, 1-based): chr9:128,633,276, G>A. VCF-style: chr9-128633276-G-A. GRCh37 (hg19) VCF-style: chr9-131395555-G-A.
Other names: c.7301G>A, p.Arg2434His (NM_001195532.2); c.7439G>A, p.Arg2480His (NM_001363759.2); c.7316G>A, p.Arg2439His (NM_001363765.2, NM_001375314.2); c.7463G>A, p.Arg2488His (NM_001375310.1); c.7376G>A, p.Arg2459His (NM_001375311.2); c.7412G>A, p.Arg2471His (NM_001375312.2); c.7358G>A, p.Arg2453His (NM_001375313.1); c.7475G>A, p.Arg2492His (NM_001375318.1); and 1 more; short protein forms R2434H, R2453H, R2471H, R2480H, R2488H, R2454H, R2439H, R2459H.
Identifiers: ClinVar variation 857215 (VCV000857215.6), dbSNP rs751323903, ClinGen allele CA5266094.
Genomic context (GRCh38, chr9:128,633,276, plus strand): 5'-CCCGGGAACAAGCCGACTACTGCGTCTCCCACATGAAGCCCTACGTGGACGGCAAGGGCC[G>A]CGAGCTCCCCACCGCGTTCGACTACGTGGAGTTCACCCGCTCGCTTTTCGTGAACTGAGC-3'
Protein context (NP_001123910.1, residues 2449-2469): HMKPYVDGKG[Arg2459His]ELPTAFDYVE